The following is an entry in ClinVar:

ClinVar aggregate classification (germline): Uncertain significance. Review status: criteria provided, single submitter (1 of 4 stars). 2 submissions from 2 submitters: Uncertain significance (1). 1 of the submissions does not count toward it. Last evaluated 2024-01-08.

Conditions:
Nemaline myopathy 2 (NEM2). Also called: Nemaline myopathy 2, autosomal recessive. Identifiers: MedGen C1850569, MONDO:0009725, OMIM 256030.

Allele frequency attached by ClinVar (database versions not stated): gnomAD exomes below 0.00001.
gnomAD v4.1: 2 of 1,613,958 alleles (0.00012%); highest among the groups gnomAD compares: South Asian, 0.0011%; no homozygotes.

Submissions (2):

Labcorp Genetics (formerly Invitae), Labcorp
Classification: Uncertain significance for Nemaline myopathy 2. Last evaluated: 2024-01-08. Review status: criteria provided, single submitter. Criteria: Invitae Variant Classification Sherloc (09022015). Collection method: clinical testing. Allele origin: germline.
Comment: This sequence change replaces proline, which is neutral and non-polar, with arginine, which is basic and polar, at codon 255 of the NEB protein (p.Pro255Arg). This variant is not present in population databases (gnomAD no frequency). This variant has not been reported in the literature in individuals affected with NEB-related conditions. ClinVar contains an entry for this variant (Variation ID: 534008). Experimental studies and prediction algorithms are not available or were not evaluated, and the functional significance of this variant is currently unknown. In summary, the available evidence is currently insufficient to determine the role of this variant in disease. Therefore, it has been classified as a Variant of Uncertain Significance.

Natera, Inc.
Classification: Uncertain significance for Nemaline myopathy type 2. Last evaluated: 2020-01-24. Review status: no assertion criteria provided. Collection method: clinical testing. Allele origin: germline. Not counted in ClinVar's aggregate classification.

NM_001164508.2(NEB):c.764C>G (p.Pro255Arg)

Gene: NEB (nebulin; minus strand). Cytogenetic location: 2q23.3.
Variant type: single nucleotide variant.
Coding change: c.764C>G on transcript NM_001164508.2 (MANE Select); coding-DNA position 764, C replaced by G.
Protein change: p.Pro255Arg; replaces proline 255 with arginine.
Molecular consequence: missense variant.
Genome position (GRCh38, 1-based): chr2:151,717,474, G>C on the plus strand (C>G on the coding strand, the complement: NEB is on the minus strand). VCF-style: chr2-151717474-G-C. GRCh37 (hg19) VCF-style: chr2-152573988-G-C.
Other names: c.764C>G, p.Pro255Arg (NM_001164507.2, NM_001271208.2, NM_004543.5); short protein forms P255R.
Identifiers: ClinVar variation 534008 (VCV000534008.9), dbSNP rs1553663195, ClinGen allele CA348788933.